The following is an entry in ClinVar:

NM_000038.6(APC):c.4947A>C (p.Ile1649=)

Gene: APC (APC regulator of Wnt signaling pathway; plus strand). Cytogenetic location: 5q22.2.
Variant type: single nucleotide variant.
Coding change: c.4947A>C on transcript NM_000038.6 (MANE Select); coding-DNA position 4947, A replaced by C.
Protein change: p.Ile1649=; no amino-acid change (isoleucine 1649 retained).
Molecular consequence: synonymous variant.
Genome position (GRCh38, 1-based): chr5:112,840,541, A>C. VCF-style: chr5-112840541-A-C. GRCh37 (hg19) VCF-style: chr5-112176238-A-C.
Other names: c.4947A>C, p.Ile1649= (NM_001127510.3, NM_001354895.2); c.4893A>C, p.Ile1631= (NM_001127511.3); c.4863A>C, p.Ile1621= (NM_001354899.2); c.4824A>C, p.Ile1608= (NM_001354900.2); c.4977A>C, p.Ile1659= (NM_001354897.2); c.4872A>C, p.Ile1624= (NM_001354898.2); c.4770A>C, p.Ile1590= (NM_001354901.2); c.5001A>C, p.Ile1667= (NM_001354896.2); and 5 more.
Identifiers: ClinVar variation 759629 (VCV000759629.13), dbSNP rs1580654389, ClinGen allele CA446208713.

ClinVar aggregate classification (germline): Benign/Likely benign. Review status: criteria provided, multiple submitters, no conflicts (2 of 4 stars). 3 submissions from 3 submitters: Benign (1); Likely benign (2). Last evaluated 2024-03-28.

Conditions:
Hereditary cancer-predisposing syndrome. Also called: Tumor predisposition; Neoplastic Syndromes, Hereditary; Hereditary Cancer Syndrome; Hereditary neoplastic syndrome. Identifiers: Orphanet 140162, MedGen C0027672, MeSH D009386, MONDO:0015356.
Familial adenomatous polyposis 1 (FAP1). Also called: POLYPOSIS, ADENOMATOUS INTESTINAL; FAMILIAL ADENOMATOUS POLYPOSIS 1, ATTENUATED. Identifiers: MedGen C2713442, MONDO:0021056, OMIM 175100. Disease mechanism: loss of function.

Submissions (3):

Myriad Genetics, Inc.
Classification: Benign for Familial adenomatous polyposis 1. Last evaluated: 2024-03-28. Review status: criteria provided, single submitter. Criteria: Myriad Autosomal Dominant, Autosomal Recessive and X-Linked Classification Criteria (2023). Collection method: clinical testing. Allele origin: unknown.
Comment: This variant is considered benign. This variant is a silent/synonymous amino acid change and it is not expected to impact splicing.

Labcorp Genetics (formerly Invitae), Labcorp
Classification: Likely benign for Familial adenomatous polyposis 1. Last evaluated: 2020-11-13. Review status: criteria provided, single submitter. Criteria: Invitae Variant Classification Sherloc (09022015). Collection method: clinical testing. Allele origin: germline.

Ambry Genetics
Classification: Likely benign for Hereditary cancer-predisposing syndrome. Last evaluated: 2019-06-30. Review status: criteria provided, single submitter. Criteria: Ambry Variant Classification Scheme 2023. Collection method: clinical testing. Allele origin: germline.